The following is an entry in ClinVar:

ClinVar aggregate classification (germline): Pathogenic (1 of 4 stars; one submission).

Conditions:
MPI-congenital disorder of glycosylation. Also called: MANNOSEPHOSPHATE ISOMERASE DEFICIENCY; CDG Ib; PROTEIN-LOSING ENTEROPATHY-HEPATIC FIBROSIS SYNDROME; CONGENITAL DISORDER OF GLYCOSYLATION, TYPE Ib; MPI-CDG; MPI DEFICIENCY. Identifiers: Orphanet 79319, MedGen C1865145, MONDO:0011257, OMIM 602579.

Allele frequency attached by ClinVar (database versions not stated): TOPMed below 0.00001.
gnomAD v4.1: 2 of 1,614,160 alleles (0.00012%); highest among the groups gnomAD compares: Non-Finnish European, 0.00017%; no homozygotes.

Submission:

Sanford Children's Health Research Center, Sanford-Burnham-Prebys Medical Discovery Institute
Classification: Pathogenic for MPI-congenital disorder of glycosylation. Review status: criteria provided, single submitter. Criteria: ACMG Guidelines, 2015. Collection method: research. Allele origin: inherited. Affected: yes.
Comment: Full metabolic work up was normal except for the presence of a Type I CDG profile. The enzyme assay was performed as previously reported from the Freeze lab, PMID: 9525984. “Carbohydrate-deficient glycoprotein syndrome type Ib. Phosphomannose isomerase deficiency and mannose therapy.” Genetic analysis revealed two single nucleotide variants inherited in a compound heterozygous fashion, NM_002435.2:c.1205A>G and NM_002435.2:c.1253G>A. The c.1205A>G variant has not been previously reported in ExAc, dbSNP, or ESP. The predicted protein change for NM_002435.2:c.1205A>G is a Glutamate to Glycine; this residue is moderately conserved (Glu in humans through zebrafish). MutationTaster predicts this mutation to be deleterious.

NM_002435.3(MPI):c.1205A>G (p.Glu402Gly)

Gene: MPI (mannose phosphate isomerase; plus strand). Cytogenetic location: 15q24.1.
Variant type: single nucleotide variant.
Coding change: c.1205A>G on transcript NM_002435.3 (MANE Select); coding-DNA position 1205, A replaced by G.
Protein change: p.Glu402Gly; replaces glutamic acid 402 with glycine.
Molecular consequence: missense variant. On other transcripts: 3 prime UTR variant (1).
Genome position (GRCh38, 1-based): chr15:74,897,663, A>G. VCF-style: chr15-74897663-A-G. GRCh37 (hg19) VCF-style: chr15-75190004-A-G.
Other names: c.*132A>G (NM_001289155.2); c.1055A>G, p.Glu352Gly (NM_001289156.2); c.1022A>G, p.Glu341Gly (NM_001289157.2); c.1145A>G, p.Glu382Gly (NM_001330372.2); short protein forms E402G, E341G, E352G, E382G.
Identifiers: ClinVar variation 218094 (VCV000218094.1), dbSNP rs863225086, ClinGen allele CA279841.
Genomic context (GRCh38, chr15:74,897,663, plus strand): 5'-CCACAACCCAGACACCAATCCCTCTGCAACGTGGTGGCGTGCTCTTCATTGGGGCCAATG[A>G]GAGTGTCTCACTGAAGCTTACTGAGCCGAAGGACCTGCTGATATTCCGTGCCTGCTGTCT-3'
Protein context (NP_002426.1, residues 392-412): RGGVLFIGAN[Glu402Gly]SVSLKLTEPK